The following is an entry in ClinVar:

ClinVar aggregate classification (germline): Conflicting classifications of pathogenicity. Review status: criteria provided, conflicting classifications (1 of 4 stars). 3 submissions from 3 submitters: Uncertain significance (2); Benign (1). Last evaluated 2025-06-17.

Conditions:
Bethlem myopathy 1A. Also called: MYOPATHY, BENIGN CONGENITAL, WITH CONTRACTURES; Bethlem myopathy 1; Bethlem Muscular Dystrophy. Identifiers: Orphanet 610, MedGen CN029274, MONDO:0024530, OMIM 158810.

Allele frequency attached by ClinVar (database versions not stated): TOPMed 0.00002.
gnomAD v4.1: 14 of 1,612,510 alleles (0.00087%); highest among the groups gnomAD compares: African/African-American, 0.004%; no homozygotes.

Submissions (3):

Labcorp Genetics (formerly Invitae), Labcorp
Classification: Benign for Bethlem myopathy 1A. Last evaluated: 2025-06-17. Review status: criteria provided, single submitter. Criteria: Invitae Variant Classification Sherloc (09022015). Collection method: clinical testing. Allele origin: germline.

Revvity Omics, Revvity
Classification: Uncertain significance. Last evaluated: 2024-04-02. Review status: criteria provided, single submitter. Criteria: ACMG Guidelines, 2015. Collection method: clinical testing. Allele origin: germline.

GeneDx
Classification: Uncertain significance. Last evaluated: 2022-03-10. Review status: criteria provided, single submitter. Criteria: GeneDx Variant Classification Process June 2021. Collection method: clinical testing. Allele origin: germline. Affected: yes.
Comment: Has not been previously published as pathogenic or benign to our knowledge; In silico analysis supports that this missense variant has a deleterious effect on protein structure/function

NM_001848.3(COL6A1):c.1982G>C (p.Gly661Ala)

Gene: COL6A1 (collagen type VI alpha 1 chain; plus strand). Cytogenetic location: 21q22.3.
Variant type: single nucleotide variant.
Coding change: c.1982G>C on transcript NM_001848.3 (MANE Select); coding-DNA position 1982, G replaced by C.
Protein change: p.Gly661Ala; replaces glycine 661 with alanine.
Molecular consequence: missense variant.
Genome position (GRCh38, 1-based): chr21:46,001,986, G>C. VCF-style: chr21-46001986-G-C. GRCh37 (hg19) VCF-style: chr21-47421900-G-C.
Other names: short protein forms G661A.
Identifiers: ClinVar variation 859533 (VCV000859533.11), dbSNP rs771702139, ClinGen allele CA321978227.